The following is an entry in ClinVar:

NM_004655.4(AXIN2):c.1823T>A (p.Leu608His)

Gene: AXIN2 (axin 2; minus strand). Cytogenetic location: 17q24.1.
Variant type: single nucleotide variant.
Coding change: c.1823T>A on transcript NM_004655.4 (MANE Select); coding-DNA position 1823, T replaced by A.
Protein change: p.Leu608His; replaces leucine 608 with histidine.
Molecular consequence: missense variant. On other transcripts: intron variant (1).
Genome position (GRCh38, 1-based): chr17:65,536,953, A>T on the plus strand (T>A on the coding strand, the complement: AXIN2 is on the minus strand). VCF-style: chr17-65536953-A-T. GRCh37 (hg19) VCF-style: chr17-63533071-A-T.
Other names: c.1712+371T>A (NM_001363813.1); short protein forms L608H.
Identifiers: ClinVar variation 4619700 (VCV004619700.1).
Genomic context (GRCh38, chr17:65,536,953, plus strand): 5'-CGCTCACTCTCCAGCATCCACTGCCAGACATCCTGCGACCTGTCTCCTTCCTCCCGGGGA[A>T]GCTGCAGGGCCCCAGCTCCGCCGGGGGCCCCTCCTTCCCTGGCGGGCAGGGCCAGGCCCG-3'
Protein context (NP_004646.3, residues 598-618): GAPGGAGALQ[Leu608His]PREEGDRSQD

ClinVar aggregate classification (germline): Uncertain significance (1 of 4 stars; one submission).

Conditions:
Hereditary cancer-predisposing syndrome. Also called: Neoplastic Syndromes, Hereditary; Tumor predisposition; Hereditary Cancer Syndrome; Hereditary neoplastic syndrome. Identifiers: Orphanet 140162, MedGen C0027672, MeSH D009386, MONDO:0015356.

Submission:

Ambry Genetics
Classification: Uncertain significance for Hereditary cancer-predisposing syndrome. Last evaluated: 2025-10-30. Review status: criteria provided, single submitter. Criteria: Ambry Variant Classification Scheme 2023. Collection method: clinical testing. Allele origin: germline.
Comment: The p.L608H variant (also known as c.1823T>A), located in coding exon 6 of the AXIN2 gene, results from a T to A substitution at nucleotide position 1823. The leucine at codon 608 is replaced by histidine, an amino acid with similar properties. This amino acid position is conserved. In addition, the in silico prediction for this alteration is inconclusive. Based on the available evidence, the clinical significance of this variant remains unclear.